The following is an entry in ClinVar:

ClinVar aggregate classification (germline): Conflicting classifications of pathogenicity. Review status: criteria provided, conflicting classifications (1 of 4 stars). 2 submissions from 2 submitters: Uncertain significance (1); Likely benign (1). Last evaluated 2026-04-04.

Conditions:
MKS1-related disorder. Also called: MKS1-related condition; MKS1-related disorders. Identifiers: MedGen CN239382.
Meckel-Gruber syndrome. Also called: DYSENCEPHALIA SPLANCHNOCYSTICA; Dysencephalia splachnocystica; GRUBER SYNDROME. Identifiers: Orphanet 564, MedGen C0265215, MONDO:0018921.
Joubert syndrome. Also called: Familial aplasia of the vermis; JOUBERT-BOLTSHAUSER SYNDROME. Identifiers: Orphanet 475, MedGen C5979921, MONDO:0018772.

Allele frequency attached by ClinVar (database versions not stated): gnomAD exomes below 0.00001 and 0.00001; TOPMed below 0.00001.
gnomAD v4.1: 11 of 1,612,986 alleles (0.00068%); highest among the groups gnomAD compares: Non-Finnish European, 0.00093%; no homozygotes.

Submissions (2):

PreventionGenetics, part of Exact Sciences
Classification: Uncertain significance for MKS1-related condition. Last evaluated: 2026-04-04. Review status: criteria provided, single submitter. Criteria: ACMG Guidelines, 2015. Collection method: clinical testing. Allele origin: germline.
Comment: The MKS1 c.519G>A variant is not predicted to result in an amino acid change (p.=). This variant is predicted to impact splicing based on splicing prediction programs (SpliceAI, Jaganathan et al. 2019. PubMed ID: 30661751). However, the use of computer prediction programs is not equivalent to functional evidence. To our knowledge, this variant has not been reported in the literature. This variant is reported in 0.00088% of alleles in individuals of European (Non-Finnish) descent in gnomAD. At this time, the clinical significance of this variant is uncertain due to the absence of conclusive functional and genetic evidence.

Labcorp Genetics (formerly Invitae), Labcorp
Classification: Likely benign for Joubert syndrome; Meckel-Gruber syndrome. Last evaluated: 2023-01-14. Review status: criteria provided, single submitter. Criteria: Invitae Variant Classification Sherloc (09022015). Collection method: clinical testing. Allele origin: germline.

NM_017777.4(MKS1):c.519G>A (p.Glu173=)

Gene: MKS1 (MKS transition zone complex subunit 1; minus strand). Cytogenetic location: 17q22.
Variant type: single nucleotide variant.
Coding change: c.519G>A on transcript NM_017777.4 (MANE Select); coding-DNA position 519, G replaced by A.
Protein change: p.Glu173=; no amino-acid change (glutamic acid 173 retained).
Molecular consequence: synonymous variant. On other transcripts: 5 prime UTR variant (1).
Genome position (GRCh38, 1-based): chr17:58,214,384, C>T on the plus strand (G>A on the coding strand, the complement: MKS1 is on the minus strand). VCF-style: chr17-58214384-C-T. GRCh37 (hg19) VCF-style: chr17-56291745-C-T.
Other names: c.-91G>A (NM_001321268.2); c.519G>A, p.Glu173= (NM_001321269.2, NM_001330397.2); c.519G>A (NM_017777.3).
Identifiers: ClinVar variation 1135984 (VCV001135984.10), dbSNP rs901476301, ClinGen allele CA292013659.